The following is an entry in ClinVar:

NM_198506.5(LRIT3):c.*389G>A

Gene: LRIT3 (leucine rich repeat, Ig-like and transmembrane domains 3; plus strand). Cytogenetic location: 4q25.
Variant type: single nucleotide variant.
Coding change: c.*389G>A on transcript NM_198506.5 (MANE Select); 389 bases downstream of the stop codon, G replaced by A.
Molecular consequence: 3 prime UTR variant.
Genome position (GRCh38, 1-based): chr4:109,871,178, G>A. VCF-style: chr4-109871178-G-A. GRCh37 (hg19) VCF-style: chr4-110792334-G-A.
Identifiers: ClinVar variation 347202 (VCV000347202.5), dbSNP rs139529995, ClinGen allele CA10617708.
Genomic context (GRCh38, chr4:109,871,178, plus strand): 5'-TTTTTGAGTCATGAGGAAACATTAGCAAAACCAGCTAAGCCTTGATGTTTATTCATGTTC[G>A]AAGTGCATTATAGCATTTGCTGTGGATGTTTTCTGACATTGCCTAATGGAGAGCGTGGGA-3'

ClinVar aggregate classification (germline): Benign (1 of 4 stars; one submission).

Conditions:
Congenital stationary night blindness 1F. Also called: Night blindness, congenital stationary (complete), 1F, autosomal recessive. Identifiers: Orphanet 215, MedGen C3554399, MONDO:0014026, OMIM 615058.

Allele frequency attached by ClinVar (database versions not stated): gnomAD exomes 0.00043; gnomAD 0.00228 and 0.00234; TOPMed 0.00243; 1000 Genomes Project 30x 0.00406; 1000 Genomes Project 0.00459.
gnomAD v4.1: 355 of 159,614 alleles (0.22%); highest among the groups gnomAD compares: East Asian, 1.4%; 6 homozygotes.

Submission:

Illumina Laboratory Services, Illumina
Classification: Benign for Congenital stationary night blindness 1F. Last evaluated: 2018-01-12. Review status: criteria provided, single submitter. Criteria: ICSL Variant Classification Criteria 13 December 2019. Collection method: clinical testing. Allele origin: germline.
Comment: This variant was observed in the ICSL laboratory as part of a predisposition screen in an ostensibly healthy population. It had not been previously curated by ICSL or reported in the Human Gene Mutation Database (HGMD: prior to June 1st, 2018), and was therefore a candidate for classification through an automated scoring system. Utilizing variant allele frequency, disease prevalence and penetrance estimates, and inheritance mode, an automated score was calculated to assess if this variant is too frequent to cause the disease. Based on the score and internal cut-off values, a variant classified as benign is not then subjected to further curation. The score for this variant resulted in a classification of benign for this disease.